The following is an entry in ClinVar:

NM_000026.4(ADSL):c.1191+11C>A

Gene: ADSL (adenylosuccinate lyase; plus strand). Cytogenetic location: 22q13.1.
Variant type: single nucleotide variant.
Coding change: c.1191+11C>A on transcript NM_000026.4 (MANE Select); 11 bases into the intron after coding-DNA position 1191, C replaced by A.
Molecular consequence: intron variant.
Genome position (GRCh38, 1-based): chr22:40,364,376, C>A. VCF-style: chr22-40364376-C-A. GRCh37 (hg19) VCF-style: chr22-40760380-C-A.
Other names: c.1191+11C>A (NM_001363840.3, NM_001123378.3); c.999+11C>A (NM_001317923.2).
Identifiers: ClinVar variation 390355 (VCV000390355.8), dbSNP rs1057523739, ClinGen allele CA16608673.

ClinVar aggregate classification (germline): Likely benign. Review status: criteria provided, multiple submitters, no conflicts (2 of 4 stars). 2 submissions from 2 submitters: Likely benign (2). Last evaluated 2024-12-04.

Conditions:
Adenylosuccinate lyase deficiency (ADSLD). Also called: ADSL DEFICIENCY. Identifiers: Orphanet 46, MedGen C0268126, MONDO:0007068, OMIM 103050.

Allele frequency attached by ClinVar (database versions not stated): gnomAD exomes below 0.00001 and 0.00001.
gnomAD v4.1: 3 of 1,611,752 alleles (0.00019%); highest among the groups gnomAD compares: Admixed American, 0.005%; no homozygotes.

Submissions (2):

Labcorp Genetics (formerly Invitae), Labcorp
Classification: Likely benign for Adenylosuccinate lyase deficiency. Last evaluated: 2024-12-04. Review status: criteria provided, single submitter. Criteria: Invitae Variant Classification Sherloc (09022015). Collection method: clinical testing. Allele origin: germline.

GeneDx
Classification: Likely benign. Last evaluated: 2016-10-25. Review status: criteria provided, single submitter. Criteria: GeneDx Variant Classification (06012015). Collection method: clinical testing. Allele origin: germline. Affected: yes.
Comment: This variant is considered likely benign or benign based on one or more of the following criteria: it is a conservative change, it occurs at a poorly conserved position in the protein, it is predicted to be benign by multiple in silico algorithms, and/or has population frequency not consistent with disease.